The following is an entry in ClinVar:

ClinVar aggregate classification (germline): Uncertain significance (1 of 4 stars; one submission).

Conditions:
NEFL-related disorder. Also called: NEFL-related condition.

Submission:

PreventionGenetics, part of Exact Sciences
Classification: Uncertain significance for NEFL-related condition. Last evaluated: 2026-04-27. Review status: criteria provided, single submitter. Criteria: ACMG Guidelines, 2015. Collection method: clinical testing. Allele origin: germline.
Comment: The NEFL c.1051A>G variant is predicted to result in the amino acid substitution p.Ile351Val. To our knowledge, this variant has not been reported in the literature. This variant is reported in 0.0065% of alleles in individuals of African descent in gnomAD. At this time, the clinical significance of this variant is uncertain due to the absence of conclusive functional and genetic evidence.

NM_006158.5(NEFL):c.1051A>G (p.Ile351Val)

Genes: NEFL (neurofilament light chain; minus strand), LOC126860330 (BRD4-independent group 4 enhancer GRCh37_chr8:24811677-24812876; plus strand). Cytogenetic location: 8p21.2.
Variant type: single nucleotide variant.
Coding change: c.1051A>G on transcript NM_006158.5 (MANE Select); coding-DNA position 1051, A replaced by G.
Protein change: p.Ile351Val; replaces isoleucine 351 with valine.
Molecular consequence: missense variant.
Genome position (GRCh38, 1-based): chr8:24,954,299, T>C on the plus strand (A>G on the coding strand, the complement: NEFL is on the minus strand). VCF-style: chr8-24954299-T-C. GRCh37 (hg19) VCF-style: chr8-24811813-T-C.
Other names: short protein forms I351V.
Identifiers: ClinVar variation 4988364 (VCV004988364.1).